The following is an entry in ClinVar:

ClinVar aggregate classification (germline): Uncertain significance. Review status: criteria provided, multiple submitters, no conflicts (2 of 4 stars). 3 submissions from 3 submitters: Uncertain significance (3). Last evaluated 2026-08-11.

Conditions:
Intellectual developmental disorder, X-linked 93. Also called: MENTAL RETARDATION, X-LINKED, WITH MACROCEPHALY; Intellectual disability, X-linked 93. Identifiers: MedGen C1970841, MONDO:0010393, OMIM 300659.

Submissions (3):

GeneDx
Classification: Uncertain significance. Last evaluated: 2026-08-11. Review status: criteria provided, single submitter. Criteria: GeneDx Variant Classification Process June 2021. Collection method: clinical testing. Allele origin: germline.
Comment: Not observed at significant frequency in large population cohorts (gnomAD); In silico analysis suggests that this missense variant does not alter protein structure/function; Has not been previously published as pathogenic or benign to our knowledge

MGZ Medical Genetics Center
Classification: Uncertain significance for Intellectual developmental disorder, X-linked 93. Last evaluated: 2022-03-15. Review status: criteria provided, single submitter. Criteria: ACMG Guidelines, 2015. Collection method: clinical testing. Allele origin: germline. Affected: yes. Observed: 1 variant allele.
Comment: ACMG criteria applied: PM2_SUP, PP2, BP4

Baylor Genetics
Classification: Uncertain significance for Intellectual developmental disorder, X-linked 93. Last evaluated: 2020-05-05. Review status: criteria provided, single submitter. Criteria: ACMG Guidelines, 2015. Collection method: clinical testing. Allele origin: unknown. Affected: yes.
Comment: This variant was determined to be of uncertain significance according to ACMG Guidelines, 2015 [PMID:25741868].

NM_153252.5(BRWD3):c.4705A>G (p.Thr1569Ala)

Gene: BRWD3 (bromodomain and WD repeat domain containing 3; minus strand). Cytogenetic location: Xq21.1.
Variant type: single nucleotide variant.
Coding change: c.4705A>G on transcript NM_153252.5 (MANE Select); coding-DNA position 4705, A replaced by G.
Protein change: p.Thr1569Ala; replaces threonine 1569 with alanine.
Molecular consequence: missense variant.
Genome position (GRCh38, 1-based): chrX:80,677,313, T>C on the plus strand (A>G on the coding strand, the complement: BRWD3 is on the minus strand). VCF-style: chrX-80677313-T-C. GRCh37 (hg19) VCF-style: chrX-79932812-T-C.
Other names: short protein forms T1569A.
Identifiers: ClinVar variation 1029232 (VCV001029232.6), dbSNP rs2072376970, ClinGen allele CA413747483.